The following is an entry in ClinVar:

NM_000836.4(GRIN2D):c.3316C>G (p.Leu1106Val)

Gene: GRIN2D (glutamate ionotropic receptor NMDA type subunit 2D; plus strand). Cytogenetic location: 19q13.33.
Variant type: single nucleotide variant.
Coding change: c.3316C>G on transcript NM_000836.4 (MANE Select); coding-DNA position 3316, C replaced by G.
Protein change: p.Leu1106Val; replaces leucine 1106 with valine.
Molecular consequence: missense variant.
Genome position (GRCh38, 1-based): chr19:48,443,242, C>G. VCF-style: chr19-48443242-C-G. GRCh37 (hg19) VCF-style: chr19-48946499-C-G.
Other names: short protein forms L1106V.
Identifiers: ClinVar variation 3667987 (VCV003667987.2).

ClinVar aggregate classification (germline): Uncertain significance (1 of 4 stars; one submission).

Submission:

Labcorp Genetics (formerly Invitae), Labcorp
Classification: Uncertain significance. Last evaluated: 2024-04-15. Review status: criteria provided, single submitter. Criteria: Invitae Variant Classification Sherloc (09022015). Collection method: clinical testing. Allele origin: germline.
Comment: This sequence change replaces leucine, which is neutral and non-polar, with valine, which is neutral and non-polar, at codon 1106 of the GRIN2D protein (p.Leu1106Val). This variant is not present in population databases (gnomAD no frequency). This variant has not been reported in the literature in individuals affected with GRIN2D-related conditions. Advanced modeling of protein sequence and biophysical properties (such as structural, functional, and spatial information, amino acid conservation, physicochemical variation, residue mobility, and thermodynamic stability) performed at Invitae indicates that this missense variant is not expected to disrupt GRIN2D protein function with a negative predictive value of 95%. In summary, the available evidence is currently insufficient to determine the role of this variant in disease. Therefore, it has been classified as a Variant of Uncertain Significance.